The following is an entry in ClinVar:

ClinVar aggregate classification (germline): Uncertain significance (1 of 4 stars; one submission).

Conditions:
Inborn genetic diseases. Identifiers: MedGen C0950123, MeSH D030342.

gnomAD v4.1: 2 of 1,614,134 alleles (0.00012%); highest among the groups gnomAD compares: Non-Finnish European, 0.00017%; no homozygotes.

Submission:

Ambry Genetics
Classification: Uncertain significance for Inborn genetic diseases. Last evaluated: 2025-04-12. Review status: criteria provided, single submitter. Criteria: Ambry Variant Classification Scheme 2023. Collection method: clinical testing. Allele origin: germline.
Comment: The p.P108L variant (also known as c.323C>T), located in coding exon 3 of the HAX1 gene, results from a C to T substitution at nucleotide position 323. The proline at codon 108 is replaced by leucine, an amino acid with similar properties. This amino acid position is conserved. In addition, this alteration is predicted to be tolerated by in silico analysis. Based on the available evidence, the clinical significance of this variant remains unclear.

NM_006118.4(HAX1):c.323C>T (p.Pro108Leu)

Gene: HAX1 (HCLS1 associated protein X-1; plus strand). Cytogenetic location: 1q21.3.
Variant type: single nucleotide variant.
Coding change: c.323C>T on transcript NM_006118.4 (MANE Select); coding-DNA position 323, C replaced by T.
Protein change: p.Pro108Leu; replaces proline 108 with leucine.
Molecular consequence: missense variant.
Genome position (GRCh38, 1-based): chr1:154,273,780, C>T. VCF-style: chr1-154273780-C-T. GRCh37 (hg19) VCF-style: chr1-154246256-C-T.
Other names: c.179C>T, p.Pro60Leu (NM_001018837.2); short protein forms P108L, P60L.
Identifiers: ClinVar variation 4033843 (VCV004033843.1).